The following is an entry in ClinVar:

ClinVar aggregate classification (germline): Uncertain significance (1 of 4 stars; one submission).

Conditions:
Combined immunodeficiency due to DOCK8 deficiency (HIES2). Also called: HIES autosomal recessive; DOCK8 Deficiency; HYPER-IgE SYNDROME 2, AUTOSOMAL RECESSIVE, WITH RECURRENT INFECTIONS; Hyper-IgE recurrent infection syndrome, autosomal recessive; HYPER-IgE RECURRENT INFECTION SYNDROME 2, AUTOSOMAL RECESSIVE. Identifiers: Orphanet 217390, MedGen C4722305, MONDO:0009478, OMIM 243700.

Allele frequency attached by ClinVar (database versions not stated): TOPMed below 0.00001.
gnomAD v4.1: 17 of 1,614,060 alleles (0.0011%); highest among the groups gnomAD compares: African/African-American, 0.004%; no homozygotes.

Submission:

Labcorp Genetics (formerly Invitae), Labcorp
Classification: Uncertain significance for Combined immunodeficiency due to DOCK8 deficiency. Last evaluated: 2025-12-15. Review status: criteria provided, single submitter. Criteria: Invitae Variant Classification Sherloc (09022015). Collection method: clinical testing. Allele origin: germline.
Comment: This sequence change replaces valine, which is neutral and non-polar, with isoleucine, which is neutral and non-polar, at codon 1783 of the DOCK8 protein (p.Val1783Ile). This variant is present in population databases (rs532879343, gnomAD 0.006%). This variant has not been reported in the literature in individuals affected with DOCK8-related conditions. ClinVar contains an entry for this variant (Variation ID: 1523113). Invitae Evidence Modeling of protein sequence and biophysical properties (such as structural, functional, and spatial information, amino acid conservation, physicochemical variation, residue mobility, and thermodynamic stability) indicates that this missense variant is not expected to disrupt DOCK8 protein function with a negative predictive value of 80%. In summary, the available evidence is currently insufficient to determine the role of this variant in disease. Therefore, it has been classified as a Variant of Uncertain Significance.

NM_203447.4(DOCK8):c.5347G>A (p.Val1783Ile)

Gene: DOCK8 (dedicator of cytokinesis 8; plus strand). Cytogenetic location: 9p24.3.
Variant type: single nucleotide variant.
Coding change: c.5347G>A on transcript NM_203447.4 (MANE Select); coding-DNA position 5347, G replaced by A.
Protein change: p.Val1783Ile; replaces valine 1783 with isoleucine.
Molecular consequence: missense variant.
Genome position (GRCh38, 1-based): chr9:441,409, G>A. VCF-style: chr9-441409-G-A. GRCh37 (hg19) VCF-style: chr9-441409-G-A.
Other names: c.5047G>A, p.Val1683Ile (NM_001190458.2); c.5143G>A, p.Val1715Ile (NM_001193536.2); short protein forms V1783I, V1715I, V1683I.
Identifiers: ClinVar variation 1523113 (VCV001523113.7), dbSNP rs532879343, ClinGen allele CA4959397.